The following is an entry in ClinVar:

NM_001385079.1(PDE10A):c.865+1213C>T

Gene: PDE10A (phosphodiesterase 10A; minus strand). Cytogenetic location: 6q27.
Variant type: single nucleotide variant.
Coding change: c.865+1213C>T on transcript NM_001385079.1 (MANE Select); 1213 bases into the intron after coding-DNA position 865, C replaced by T.
Molecular consequence: intron variant.
Genome position (GRCh38, 1-based): chr6:165,660,734, G>A on the plus strand (C>T on the coding strand, the complement: PDE10A is on the minus strand). VCF-style: chr6-165660734-G-A. GRCh37 (hg19) VCF-style: chr6-166074222-G-A.
Other names: c.67+1213C>T (NM_001130690.3); c.-92+1213C>T (NM_006661.4).
Identifiers: ClinVar variation 1695176 (VCV001695176.31), dbSNP rs79794026, ClinGen allele CA151833325.

ClinVar aggregate classification (germline): Benign (1 of 4 stars; one submission).

Allele frequency attached by ClinVar (database versions not stated): 1000 Genomes Project 30x 0.00718; 1000 Genomes Project 0.00719; TOPMed 0.00862; gnomAD 0.00916 and 0.00932; gnomAD exomes 0.03302.
gnomAD v4.1: 1,401 of 152,764 alleles (0.92%); highest among the groups gnomAD compares: Non-Finnish European, 1.2%; 6 homozygotes.

Submission:

CeGaT Center for Human Genetics Tuebingen
Classification: Benign. Last evaluated: 2023-05-01. Review status: criteria provided, single submitter. Criteria: CeGaT Center For Human Genetics Tuebingen Variant Classification Criteria Version 2. Collection method: clinical testing. Allele origin: germline. Affected: yes. Observed: 5 variant alleles.
Comment: PDE10A: BS1, BS2